The following is an entry in ClinVar:

NM_001267550.2(TTN):c.8539A>G (p.Lys2847Glu)

Gene: TTN (titin; minus strand). Cytogenetic location: 2q31.2.
Variant type: single nucleotide variant.
Coding change: c.8539A>G on transcript NM_001267550.2 (MANE Select); coding-DNA position 8539, A replaced by G.
Protein change: p.Lys2847Glu; replaces lysine 2847 with glutamic acid.
Molecular consequence: missense variant.
Genome position (GRCh38, 1-based): chr2:178,770,162, T>C on the plus strand (A>G on the coding strand, the complement: TTN is on the minus strand). VCF-style: chr2-178770162-T-C. GRCh37 (hg19) VCF-style: chr2-179634889-T-C.
Other names: p.K2847E:AAA>GAA; c.8539A>G, p.Lys2847Glu (NM_001256850.1, NM_133378.4, NM_133379.5); c.8401A>G, p.Lys2801Glu (NM_003319.4, NM_133432.3, NM_133437.4); short protein forms K2847E, K2801E.
Identifiers: ClinVar variation 203160 (VCV000203160.2), dbSNP rs794729582, ClinGen allele CA311510.
Genomic context (GRCh38, chr2:178,770,162, plus strand): 5'-CAGCTGTGTATTCCCCAGCATCTGAGGGGGAGATGTTCTGCAGCATCAGCTTGTGGACTT[T>C]CCTTTCTGAGACCAGTCTGTGTTTGTCACTTGGCTTAATTTCCACACTCTTATGGAACCA-3'
Protein context (NP_001254479.2, residues 2837-2857): SDKHRLVSER[Lys2847Glu]VHKLMLQNIS

ClinVar aggregate classification (germline): Uncertain significance (1 of 4 stars; one submission).

Allele frequency attached by ClinVar (database versions not stated): gnomAD exomes below 0.00001.

Submission:

GeneDx
Classification: Uncertain significance. Last evaluated: 2014-03-26. Review status: criteria provided, single submitter. Criteria: GeneDx Variant Classification (06012015). Collection method: clinical testing. Allele origin: germline. Affected: yes.
Comment: Missense variants in the TTN gene are considered 'unclassified' if they are not previously reported in the literature and do not have >1% frequency in the population to be considered a polymorphism. Research indicates that truncating mutations in the TTN gene are expected to account for approximately 25% of familial and 18% of sporadic idiopathic DCM; however, truncating variants in the TTN gene have been reported in approximately 3% of reported control alleles. There has been little investigation into non-truncating variants. (Herman D et al. Truncations of titin causing dilated cardiomyopathy. N Eng J Med 366:619-628, 2012) The variant is found in CARDIOMYOPATHY panel(s).